The following is an entry in ClinVar:

NM_000016.6(ACADM):c.493G>A (p.Ala165Thr)

Gene: ACADM (acyl-CoA dehydrogenase medium chain; plus strand). Cytogenetic location: 1p31.1.
Variant type: single nucleotide variant.
Coding change: c.493G>A on transcript NM_000016.6 (MANE Select); coding-DNA position 493, G replaced by A.
Protein change: p.Ala165Thr; replaces alanine 165 with threonine.
Molecular consequence: missense variant. On other transcripts: 5 prime UTR variant (1).
Genome position (GRCh38, 1-based): chr1:75,740,004, G>A. VCF-style: chr1-75740004-G-A. GRCh37 (hg19) VCF-style: chr1-76205689-G-A.
Other names: c.505G>A, p.Ala169Thr (NM_001127328.3); c.385G>A, p.Ala129Thr (NM_001286042.2); c.592G>A, p.Ala198Thr (NM_001286043.2); c.-75G>A (NM_001286044.2); short protein forms A129T, A169T, A165T, A198T.
Identifiers: ClinVar variation 2202774 (VCV002202774.5), dbSNP rs1213827359, ClinGen allele CA340814910.

ClinVar aggregate classification (germline): Likely pathogenic. Review status: criteria provided, multiple submitters, no conflicts (2 of 4 stars). 2 submissions from 2 submitters: Likely pathogenic (2). Last evaluated 2026-03-06.

Conditions:
Medium-chain acyl-coenzyme A dehydrogenase deficiency (ACADMD). Also called: CARNITINE DEFICIENCY SECONDARY TO MEDIUM-CHAIN ACYL-CoA DEHYDROGENASE DEFICIENCY; ACADM DEFICIENCY; MCADH DEFICIENCY; MCADD; MCAD Deficiency; Medium chain acyl-CoA dehydrogenase deficiency. Identifiers: Orphanet 42, MedGen C0220710, MONDO:0008721, OMIM 201450.

Allele frequency attached by ClinVar (database versions not stated): gnomAD exomes below 0.00001.
gnomAD v4.1: 2 of 1,611,692 alleles (0.00012%); highest among the groups gnomAD compares: Admixed American, 0.0017%; no homozygotes.

Submissions (2):

Women's Health and Genetics/Laboratory Corporation of America, LabCorp
Classification: Likely pathogenic for Medium-chain acyl-coenzyme A dehydrogenase deficiency. Last evaluated: 2026-03-06. Review status: criteria provided, single submitter. Criteria: LabCorp Variant Classification Summary - May 2015. Collection method: clinical testing. Allele origin: germline.
Comment: Variant summary: ACADM c.493G>A (p.Ala165Thr) results in a non-conservative amino acid change in the encoded protein sequence. Algorithms developed to predict the effect of missense changes on protein structure and function all suggest that this variant is likely to be disruptive. The variant allele was found at a frequency of 8e-06 in 251028 control chromosomes. c.493G>A has been observed in at least one compound heterozygous individual affected with Medium Chain Acyl-CoA Dehydrogenase Deficiency with reduced enzyme activity in lymphocytes (e.g. Touw_2012). At least one publication reports experimental evidence evaluating an impact on protein function, showing 30%-50% of normal enzyme activity in vitro (e.g. Madiera_2023). A different variant affecting the same codon has been classified as likely pathogenic/pathogenic (c.494C>T, p.Ala165Val) by our lab, supporting the critical relevance of codon 165 to ACADM protein function. The following publications have been ascertained in the context of this evaluation (PMID: 37257730, 22630369). ClinVar contains an entry for this variant (Variation ID: 2202774). Based on the evidence outlined above, the variant was classified as likely pathogenic.

Labcorp Genetics (formerly Invitae), Labcorp
Classification: Likely pathogenic for Medium-chain acyl-coenzyme A dehydrogenase deficiency. Last evaluated: 2022-05-12. Review status: criteria provided, single submitter. Criteria: Invitae Variant Classification Sherloc (09022015). Collection method: clinical testing. Allele origin: germline.
Comment: In summary, the currently available evidence indicates that the variant is pathogenic, but additional data are needed to prove that conclusively. Therefore, this variant has been classified as Likely Pathogenic. Advanced modeling of protein sequence and biophysical properties (such as structural, functional, and spatial information, amino acid conservation, physicochemical variation, residue mobility, and thermodynamic stability) performed at Invitae indicates that this missense variant is expected to disrupt ACADM protein function. This missense change has been observed in individual(s) with medium-chain acyl-coenzyme A dehydrogenase deficiency (PMID: 22630369, 31012112). This variant is present in population databases (no rsID available, gnomAD 0.006%). This sequence change replaces alanine, which is neutral and non-polar, with threonine, which is neutral and polar, at codon 165 of the ACADM protein (p.Ala165Thr).

Literature cited by the submitters: PubMed 22630369 (cited by Women's Health and Genetics/Laboratory Corporation of America, LabCorp and Labcorp Genetics (formerly Invitae), Labcorp); PubMed 37257730 (cited by Women's Health and Genetics/Laboratory Corporation of America, LabCorp); PubMed 31012112 (cited by Labcorp Genetics (formerly Invitae), Labcorp).